The following is an entry in ClinVar:

NM_130839.5(UBE3A):c.1960G>C (p.Val654Leu)

Genes: SNHG14 (small nucleolar RNA host gene 14; plus strand), UBE3A (ubiquitin protein ligase E3A; minus strand). Cytogenetic location: 15q11.2.
Variant type: single nucleotide variant.
Coding change: c.1960G>C on transcript NM_130839.5 (MANE Select); coding-DNA position 1960, G replaced by C.
Protein change: p.Val654Leu; replaces valine 654 with leucine.
Molecular consequence: missense variant. On other transcripts: non-coding transcript variant (1), intron variant (1).
Genome position (GRCh38, 1-based): chr15:25,356,056, C>G on the plus strand (G>C on the coding strand, the complement: UBE3A is on the minus strand). VCF-style: chr15-25356056-C-G. GRCh37 (hg19) VCF-style: chr15-25601203-C-G.
Other names: c.1969G>C, p.Val657Leu (NM_000462.5); c.1960G>C, p.Val654Leu (NM_001354505.1, NM_001354538.2, NM_001354545.2); c.1900G>C, p.Val634Leu (NM_001354506.2, NM_001354507.2, NM_001354508.2 and 16 more transcripts); c.1783G>C, p.Val595Leu (NM_001354546.2); c.709G>C, p.Val237Leu (NM_001354550.2); c.649G>C, p.Val217Leu (NM_001354551.2); c.1899+635G>C (NM_001354549.2); short protein forms V217L, V237L, V595L, V634L, V654L, V657L.
Identifiers: ClinVar variation 1064603 (VCV001064603.3), dbSNP rs2152694181, ClinGen allele CA391352360.
Genomic context (GRCh38, chr15:25,356,056, plus strand): 5'-TCATGTCATCTTCCACATTCCCTTCATACTCCAATAAATCTTTTAAACTCTGATATAGAA[C>G]CTAGCAACCAGAAATGGTAAATTGAGGCCACCATAGAACTACAAAATACAACAAATAATT-3'
Protein context (NP_570854.1, residues 644-664): TFRDLGDSHP[Val654Leu]LYQSLKDLLE

ClinVar aggregate classification (germline): Pathogenic (1 of 4 stars; one submission).

Conditions:
Angelman syndrome (AS). Also called: HAPPY PUPPET SYNDROME. Identifiers: Orphanet 72, MedGen C0162635, MONDO:0007113, OMIM 105830. Disease mechanism: loss of function. Inheritance: imprinting disorder, AS is caused by disruption of maternally imprinted UBE3A located within the 15q11.2-q13 Angelman syndrome/Prader-Willi syndrome (AS/PWS) region..

Submission:

Kids Neuroscience Centre, Sydney Children's Hospitals Network
Classification: Pathogenic for Angelman syndrome. Review status: criteria provided, single submitter. Criteria: Bournazos AM et al. (Genet Med 2021). Collection method: clinical testing. Allele origin: maternal. Inheritance: Autosomal dominant inheritance. Affected: yes. Observed: 1 heterozygote.
Comment: Use of a cryptic 3’-splice site within intron 6 (r.1899_1900ins[1900-38_1900-1]) detected. This event causes a frameshift encoding 18 missense amino acids and a premature termination codon, p.(Val634Phefs*19). These transcripts are predicted to be targeted by nonsense mediated decay (NMD) and we observed an increase in the relative abundance of these mis -spliced transcripts after NMD inhibition by cycloheximide treatment. CHX results suggest the vast majority of all transcripts arising from the maternal c.1900G>C variant allele are misspliced using the cryptic 3’ splice site (inducing a frameshift). Any mis-spliced UBE3A transcripts that escape NMD encode UBE3A protein lacking 219 amino acids from the C-terminus, which includes the conserved ubiquitin-protein ligase E6-AP domain, and is therefore likely to be non/dysfunctional. As UBE3A expression is controlled in neuronal tissue by imprinting which silences the paternal allele in the brain, the affected proband will be functionally hemizygous for the c.1900G>C variant allele, which predominantly produces misspliced UBE3A transcripts encoding a frameshift. Maternal frameshift variants in UBE3A are an established causal basis for Angelman syndrome, therefore, it is the opinion of this laboratory the c.1900G>C splicing variant presents a plausible causal variant associated with Angelman syndrome.